The following is an entry in ClinVar:

NM_005445.4(SMC3):c.1907T>C (p.Met636Thr)

Gene: SMC3 (structural maintenance of chromosomes 3; plus strand). Cytogenetic location: 10q25.2.
Variant type: single nucleotide variant.
Coding change: c.1907T>C on transcript NM_005445.4 (MANE Select); coding-DNA position 1907, T replaced by C.
Protein change: p.Met636Thr; replaces methionine 636 with threonine.
Molecular consequence: missense variant.
Genome position (GRCh38, 1-based): chr10:110,593,167, T>C. VCF-style: chr10-110593167-T-C. GRCh37 (hg19) VCF-style: chr10-112352925-T-C.
Other names: short protein forms M636T.
Identifiers: ClinVar variation 1313071 (VCV001313071.2), dbSNP rs2134740222, ClinGen allele CA378390478.

ClinVar aggregate classification (germline): Uncertain significance (1 of 4 stars; one submission).

Submission:

GeneDx
Classification: Uncertain significance. Last evaluated: 2020-07-13. Review status: criteria provided, single submitter. Criteria: GeneDx Variant Classification Process June 2021. Collection method: clinical testing. Allele origin: germline. Affected: yes.
Comment: Not observed in large population cohorts (Lek et al., 2016); In silico analysis supports that this missense variant has a deleterious effect on protein structure/function; Has not been previously published as pathogenic or benign to our knowledge.